The following is an entry in ClinVar:

ClinVar aggregate classification (germline): Uncertain significance. Review status: criteria provided, multiple submitters, no conflicts (2 of 4 stars). 2 submissions from 2 submitters: Uncertain significance (2). Last evaluated 2026-04-04.

Conditions:
Inborn genetic diseases. Identifiers: MedGen C0950123, MeSH D030342.
Brachyolmia-amelogenesis imperfecta syndrome. Also called: Tooth agenesis, selective, 6; Dental anomalies and short stature; PLATYSPONDYLY WITH AMELOGENESIS IMPERFECTA. Identifiers: Orphanet 2899, MedGen C1832594, MONDO:0011018, OMIM 601216. Disease mechanism: loss of function.

Allele frequency attached by ClinVar (database versions not stated): gnomAD exomes 0.00001; TOPMed 0.00003; gnomAD 0.00004.

Submissions (2):

Ambry Genetics
Classification: Uncertain significance for Inborn genetic diseases. Last evaluated: 2026-04-04. Review status: criteria provided, single submitter. Criteria: Ambry Variant Classification Scheme 2023. Collection method: clinical testing. Allele origin: germline.
Comment: The p.Q257R variant (also known as c.770A>G), located in coding exon 3 of the LTBP3 gene, results from an A to G substitution at nucleotide position 770. The glutamine at codon 257 is replaced by arginine, an amino acid with highly similar properties. This amino acid position is conserved. In addition, this alteration is predicted to be tolerated by in silico analysis. Based on the available evidence, the clinical significance of this variant remains unclear.

Labcorp Genetics (formerly Invitae), Labcorp
Classification: Uncertain significance for Brachyolmia-amelogenesis imperfecta syndrome. Last evaluated: 2023-12-25. Review status: criteria provided, single submitter. Criteria: Invitae Variant Classification Sherloc (09022015). Collection method: clinical testing. Allele origin: germline.
Comment: This sequence change replaces glutamine, which is neutral and polar, with arginine, which is basic and polar, at codon 257 of the LTBP3 protein (p.Gln257Arg). This variant is present in population databases (no rsID available, gnomAD 0.007%). This variant has not been reported in the literature in individuals affected with LTBP3-related conditions. An algorithm developed to predict the effect of missense changes on protein structure and function (PolyPhen-2) suggests that this variant is likely to be disruptive. In summary, the available evidence is currently insufficient to determine the role of this variant in disease. Therefore, it has been classified as a Variant of Uncertain Significance.

NM_001130144.3(LTBP3):c.770A>G (p.Gln257Arg)

Gene: LTBP3 (latent transforming growth factor beta binding protein 3; minus strand). Cytogenetic location: 11q13.1.
Variant type: single nucleotide variant.
Coding change: c.770A>G on transcript NM_001130144.3 (MANE Select); coding-DNA position 770, A replaced by G.
Protein change: p.Gln257Arg; replaces glutamine 257 with arginine.
Molecular consequence: missense variant.
Genome position (GRCh38, 1-based): chr11:65,553,795, T>C on the plus strand (A>G on the coding strand, the complement: LTBP3 is on the minus strand). VCF-style: chr11-65553795-T-C. GRCh37 (hg19) VCF-style: chr11-65321266-T-C.
Other names: c.770A>G (NM_001130144.2); c.419A>G, p.Gln140Arg (NM_001164266.1); c.770A>G, p.Gln257Arg (NM_021070.4); short protein forms Q257R, Q140R.
Identifiers: ClinVar variation 2724200 (VCV002724200.4), dbSNP rs1263038552, ClinGen allele CA381275810.